The following is an entry in ClinVar:

NM_005559.4(LAMA1):c.7540T>C (p.Phe2514Leu)

Gene: LAMA1 (laminin subunit alpha 1; minus strand). Cytogenetic location: 18p11.31.
Variant type: single nucleotide variant.
Coding change: c.7540T>C on transcript NM_005559.4 (MANE Select); coding-DNA position 7540, T replaced by C.
Protein change: p.Phe2514Leu; replaces phenylalanine 2514 with leucine.
Molecular consequence: missense variant.
Genome position (GRCh38, 1-based): chr18:6,961,672, A>G on the plus strand (T>C on the coding strand, the complement: LAMA1 is on the minus strand). VCF-style: chr18-6961672-A-G. GRCh37 (hg19) VCF-style: chr18-6961671-A-G.
Other names: p.Phe2514Leu; short protein forms F2514L.
Identifiers: ClinVar variation 4096068 (VCV004096068.2).
Genomic context (GRCh38, chr18:6,961,672, plus strand): 5'-GCTTCTCCACATCCCCGCCGAGGGCAGCCAGGATGATGCCACTGCTGTTCGTGGTGGCAA[A>G]TGTTACCAGCCATTCTGATTCTGGTGACAAAGATTTGGGTGGCAATTCAATGTAGCCGCC-3'
Protein context (NP_005550.2, residues 2504-2524): LSPESEWLVT[Phe2514Leu]ATTNSSGIIL

ClinVar aggregate classification (germline): Uncertain significance. Review status: criteria provided, multiple submitters, no conflicts (2 of 4 stars). 2 submissions from 2 submitters: Uncertain significance (2). Last evaluated 2025-06-25.

Conditions:
Inborn genetic diseases. Identifiers: MedGen C0950123, MeSH D030342.

Submissions (2):

Ambry Genetics
Classification: Uncertain significance for Inborn genetic diseases. Last evaluated: 2025-06-25. Review status: criteria provided, single submitter. Criteria: Ambry Variant Classification Scheme 2023. Collection method: clinical testing. Allele origin: germline.

Mayo Clinic Laboratories, Mayo Clinic
Classification: Uncertain significance. Last evaluated: 2024-10-18. Review status: criteria provided, single submitter. Criteria: ACMG Guidelines, 2015. Collection method: clinical testing. Allele origin: germline. Observed: 1 variant allele.
Comment: PP3, PM2_supporting